The following is an entry in ClinVar:

NM_005918.4(MDH2):c.66G>C (p.Gln22His)

Gene: MDH2 (malate dehydrogenase 2; plus strand). Cytogenetic location: 7q11.23.
Variant type: single nucleotide variant.
Coding change: c.66G>C on transcript NM_005918.4 (MANE Select); coding-DNA position 66, G replaced by C.
Protein change: p.Gln22His; replaces glutamine 22 with histidine.
Molecular consequence: missense variant. On other transcripts: 5 prime UTR variant (1), non-coding transcript variant (1).
Genome position (GRCh38, 1-based): chr7:76,048,226, G>C. VCF-style: chr7-76048226-G-C. GRCh37 (hg19) VCF-style: chr7-75677544-G-C.
Other names: c.66G>C, p.Gln22His (NM_001282403.2); c.-87G>C (NM_001282404.2); short protein forms Q22H.
Identifiers: ClinVar variation 2111016 (VCV002111016.4), dbSNP rs2535833651, ClinGen allele CA367760214.
Genomic context (GRCh38, chr7:76,048,226, plus strand): 5'-CTCCGCCCTCGCCCGGCCTGCCAGCGCTGCTCTCCGCCGCAGCTTCAGCACCTCGGCCCA[G>C]GTAGGCCAGACGAGGGGCGGCCTGCAGGCGGAGGCCCCCCGGCCCGGGCCACGTGCGTCC-3'
Protein context (NP_005909.2, residues 12-32): ALRRSFSTSA[Gln22His]NNAKVAVLGA

ClinVar aggregate classification (germline): Uncertain significance (1 of 4 stars; one submission).

gnomAD v4.1: 1 of 1,534,676 alleles (0.000065%); no homozygotes.

Submission:

Labcorp Genetics (formerly Invitae), Labcorp
Classification: Uncertain significance. Last evaluated: 2022-03-13. Review status: criteria provided, single submitter. Criteria: Invitae Variant Classification Sherloc (09022015). Collection method: clinical testing. Allele origin: germline.
Comment: In summary, the available evidence is currently insufficient to determine the role of this variant in disease. Therefore, it has been classified as a Variant of Uncertain Significance. Variants that disrupt the consensus splice site are a relatively common cause of aberrant splicing (PMID: 17576681, 9536098). Algorithms developed to predict the effect of sequence changes on RNA splicing suggest that this variant may disrupt the consensus splice site. Algorithms developed to predict the effect of missense changes on protein structure and function are either unavailable or do not agree on the potential impact of this missense change (SIFT: "Deleterious"; PolyPhen-2: "Possibly Damaging"; Align-GVGD: "Class C0"). This variant has not been reported in the literature in individuals affected with MDH2-related conditions. This variant is not present in population databases (gnomAD no frequency). This sequence change replaces glutamine, which is neutral and polar, with histidine, which is basic and polar, at codon 22 of the MDH2 protein (p.Gln22His). This variant also falls at the last nucleotide of exon 1, which is part of the consensus splice site for this exon.

Literature cited by the submitters: PubMed 17576681; PubMed 9536098.